The following is an entry in ClinVar:

ClinVar aggregate classification (germline): Pathogenic/Likely pathogenic. Review status: criteria provided, multiple submitters, no conflicts (2 of 4 stars). 4 submissions from 4 submitters: Pathogenic (3); Likely pathogenic (1). Last evaluated 2025-04-04.

Conditions:
Hereditary cancer-predisposing syndrome. Also called: Tumor predisposition; Hereditary neoplastic syndrome; Neoplastic Syndromes, Hereditary; Hereditary Cancer Syndrome. Identifiers: Orphanet 140162, MedGen C0027672, MeSH D009386, MONDO:0015356.
Ataxia-telangiectasia syndrome (AT). Also called: LOUIS-BAR SYNDROME; Cerebello-oculocutaneous telangiectasia; Immunodeficiency with ataxia telangiectasia; Ataxia-telangiectasia, complementation group D; AT, COMPLEMENTATION GROUP C; ATAXIA-TELANGIECTASIA, COMPLEMENTATION GROUP A. Identifiers: Orphanet 100, MedGen C0004135, MONDO:0008840, OMIM 208900.
Familial cancer of breast. Also called: hereditary breast carcinoma; BREAST CANCER, FAMILIAL; Hereditary breast cancer. Identifiers: Orphanet 227535, MedGen C0346153, MONDO:0016419, OMIM 114480. Disease mechanism: loss of function.

Submissions (4):

Ambry Genetics
Classification: Pathogenic for Hereditary cancer-predisposing syndrome. Last evaluated: 2025-04-04. Review status: criteria provided, single submitter. Criteria: Ambry Variant Classification Scheme 2023. Collection method: clinical testing. Allele origin: germline.
Comment: The p.K53* pathogenic mutation (also known as c.157A>T), located in coding exon 2 of the ATM gene, results from an A to T substitution at nucleotide position 157. This changes the amino acid from a lysine to a stop codon within coding exon 2. This alteration has been observed in an individual diagnosed with early-onset breast cancer (Weitzel JN et al. Cancer, 2019 08;125:2829-2836). This variant is considered to be rare based on population cohorts in the Genome Aggregation Database (gnomAD). In addition to the clinical data presented in the literature, this alteration is expected to result in loss of function by premature protein truncation or nonsense-mediated mRNA decay. As such, this alteration is interpreted as a disease-causing mutation.

Labcorp Genetics (formerly Invitae), Labcorp
Classification: Pathogenic for Ataxia-telangiectasia syndrome. Last evaluated: 2024-03-12. Review status: criteria provided, single submitter. Criteria: Invitae Variant Classification Sherloc (09022015). Collection method: clinical testing. Allele origin: germline.
Comment: This sequence change creates a premature translational stop signal (p.Lys53*) in the ATM gene. It is expected to result in an absent or disrupted protein product. Loss-of-function variants in ATM are known to be pathogenic (PMID: 23807571, 25614872). This variant is not present in population databases (gnomAD no frequency). This variant has not been reported in the literature in individuals affected with ATM-related conditions. ClinVar contains an entry for this variant (Variation ID: 495385). For these reasons, this variant has been classified as Pathogenic.

Myriad Genetics, Inc.
Classification: Pathogenic for Familial cancer of breast. Last evaluated: 2024-01-08. Review status: criteria provided, single submitter. Criteria: Myriad Autosomal Dominant, Autosomal Recessive and X-Linked Classification Criteria (2023). Collection method: clinical testing. Allele origin: unknown.
Comment: This variant is considered pathogenic. This variant creates a termination codon and is predicted to result in premature protein truncation.

Women's Health and Genetics/Laboratory Corporation of America, LabCorp
Classification: Likely pathogenic for Ataxia-telangiectasia syndrome. Last evaluated: 2019-07-15. Review status: criteria provided, single submitter. Criteria: LabCorp Variant Classification Summary - May 2015. Collection method: clinical testing. Allele origin: germline.
Comment: Variant summary: ATM c.157A>T (p.Lys53X) results in a premature termination codon, predicted to cause a truncation of the encoded protein or absence of the protein due to nonsense mediated decay, which are commonly known mechanisms for disease. Truncations downstream of this position have been classified as pathogenic by our laboratory. The variant was absent in 250966 control chromosomes. To our knowledge, no occurrence of c.157A>T in individuals affected with Ataxia-Telangiectasia and no experimental evidence demonstrating its impact on protein function have been reported. No clinical diagnostic laboratories have submitted clinical-significance assessments for this variant to ClinVar after 2014. Based on the evidence outlined above, the variant was classified as likely pathogenic.

Literature cited by the submitters: PubMed 31206626 (cited by Ambry Genetics); PubMed 23807571 (cited by Labcorp Genetics (formerly Invitae), Labcorp); PubMed 25614872 (cited by Labcorp Genetics (formerly Invitae), Labcorp).

NM_000051.4(ATM):c.157A>T (p.Lys53Ter)

Gene: ATM (ATM serine/threonine kinase; plus strand). Cytogenetic location: 11q22.3.
Variant type: single nucleotide variant.
Coding change: c.157A>T on transcript NM_000051.4 (MANE Select); coding-DNA position 157, A replaced by T.
Protein change: p.Lys53Ter; replaces lysine 53 with a stop codon.
Molecular consequence: nonsense.
Genome position (GRCh38, 1-based): chr11:108,227,860, A>T. VCF-style: chr11-108227860-A-T. GRCh37 (hg19) VCF-style: chr11-108098587-A-T.
Other names: c.157A>T, p.Lys53Ter (NM_001351834.2, NM_001351835.2, NM_001351836.2); short protein forms K53*.
Identifiers: ClinVar variation 495385 (VCV000495385.13), dbSNP rs876659078, ClinGen allele CA382520363.